The following is an entry in ClinVar:

NM_018489.3(ASH1L):c.5076TTC[1] (p.Ser1694del)

Gene: ASH1L (ASH1 like histone lysine methyltransferase; minus strand). Cytogenetic location: 1q22.
Variant type: Microsatellite.
Coding change: c.5076TTC[1] on transcript NM_018489.3 (MANE Select); one copy of the 3-base unit TTC starting at c.5076; the reference has two copies in a row; one copy, 3 bases deleted.
Protein change: p.Ser1694del; deletes serine 1694.
Molecular consequence: inframe deletion.
Genome position (GRCh38, 1-based): chr1:155,459,802-155,459,804, GAA deleted on the plus strand (TTC on the coding strand, the reverse complement: ASH1L is on the minus strand); deleting any 3 consecutive bases within chr1:155,459,802-155,459,808 gives the same sequence; the position shown is the placement nearest the transcript's 3' end. VCF-style (leftmost placement, unchanged base first): chr1-155459801-TGAA-T. GRCh37 (hg19) VCF-style: chr1-155429592-TGAA-T.
Other names: c.5076TTC[1], p.Ser1694del (NM_001366177.2); short protein forms S1694del.
Identifiers: ClinVar variation 4994573 (VCV004994573.1).

ClinVar aggregate classification (germline): Uncertain significance (1 of 4 stars; one submission).

Conditions:
ASH1L-related disorder. Also called: ASH1L-related condition.

Submission:

PreventionGenetics, part of Exact Sciences
Classification: Uncertain significance for ASH1L-related condition. Last evaluated: 2025-11-03. Review status: criteria provided, single submitter. Criteria: ACMG Guidelines, 2015. Collection method: clinical testing. Allele origin: germline.
Comment: The ASH1L c.5079_5081delTTC variant is predicted to result in an in-frame deletion (p.Ser1694del). To our knowledge, this variant has not been reported in the literature. This variant is reported in 0.00088% of alleles in individuals of European (Non-Finnish) descent in gnomAD. At this time, the clinical significance of this variant is uncertain due to the absence of conclusive functional and genetic evidence.